The following is an entry in ClinVar:

ClinVar aggregate classification (germline): Uncertain significance (1 of 4 stars; one submission).

Conditions:
Bethlem myopathy 1A. Also called: Bethlem myopathy 1; Bethlem Muscular Dystrophy; MYOPATHY, BENIGN CONGENITAL, WITH CONTRACTURES. Identifiers: Orphanet 610, MedGen CN029274, MONDO:0024530, OMIM 158810.

Submission:

Labcorp Genetics (formerly Invitae), Labcorp
Classification: Uncertain significance for Bethlem myopathy 1A. Last evaluated: 2022-06-20. Review status: criteria provided, single submitter. Criteria: Invitae Variant Classification Sherloc (09022015). Collection method: clinical testing. Allele origin: germline.
Comment: In summary, the available evidence is currently insufficient to determine the role of this variant in disease. Therefore, it has been classified as a Variant of Uncertain Significance. Advanced modeling of protein sequence and biophysical properties (such as structural, functional, and spatial information, amino acid conservation, physicochemical variation, residue mobility, and thermodynamic stability) performed at Invitae indicates that this missense variant is not expected to disrupt COL6A3 protein function. This variant has not been reported in the literature in individuals affected with COL6A3-related conditions. This variant is not present in population databases (gnomAD no frequency). This sequence change replaces serine, which is neutral and polar, with threonine, which is neutral and polar, at codon 2303 of the COL6A3 protein (p.Ser2303Thr).

NM_004369.4(COL6A3):c.6908G>C (p.Ser2303Thr)

Gene: COL6A3 (collagen type VI alpha 3 chain; minus strand). Cytogenetic location: 2q37.3.
Variant type: single nucleotide variant.
Coding change: c.6908G>C on transcript NM_004369.4 (MANE Select); coding-DNA position 6908, G replaced by C.
Protein change: p.Ser2303Thr; replaces serine 2303 with threonine.
Molecular consequence: missense variant.
Genome position (GRCh38, 1-based): chr2:237,348,635, C>G on the plus strand (G>C on the coding strand, the complement: COL6A3 is on the minus strand). VCF-style: chr2-237348635-C-G. GRCh37 (hg19) VCF-style: chr2-238257278-C-G.
Other names: c.5087G>C, p.Ser1696Thr (NM_057166.5); c.6290G>C, p.Ser2097Thr (NM_057167.4); short protein forms S1696T, S2097T, S2303T.
Identifiers: ClinVar variation 1479465 (VCV001479465.8), dbSNP rs2106329002, ClinGen allele CA351208350.
Genomic context (GRCh38, chr2:237,348,635, plus strand): 5'-CAGCAAGGACGCTTGGATAATCCTCAGCAGATACGTACTTTTTTGCCTCTGCGTCCTTCA[C>G]TGCCAACTCCGTCTCTCCCGTCATCTCCCTAAGAGTGGGAAAGAGATGTGACTGTAGGTC-3'
Protein context (NP_004360.2, residues 2293-2313): TGDDGRDGVG[Ser2303Thr]EGRRGKKGER